The following is an entry in ClinVar:

NM_000218.3(KCNQ1):c.1393+25055T>A

Genes: KCNQ1 (potassium voltage-gated channel subfamily Q member 1; plus strand), KCNQ1OT1 (KCNQ1 opposite strand/antisense transcript 1; minus strand). Cytogenetic location: 11p15.5.
Variant type: single nucleotide variant.
Coding change: c.1393+25055T>A on transcript NM_000218.3 (MANE Select); 25055 bases into the intron after coding-DNA position 1393, T replaced by A.
Molecular consequence: intron variant. On other transcripts: non-coding transcript variant (1).
Genome position (GRCh38, 1-based): chr11:2,613,909, T>A. VCF-style: chr11-2613909-T-A. GRCh37 (hg19) VCF-style: chr11-2635139-T-A.
Other names: c.1123+25055T>A (NM_001406837.1); c.1297+25055T>A (NM_001406836.1); c.853+25055T>A (NM_001406838.1); c.1012+25055T>A (NM_181798.2).
Identifiers: ClinVar variation 4987084 (VCV004987084.1).

ClinVar aggregate classification (germline): Likely benign (1 of 4 stars; one submission).

Conditions:
KCNQ1-related disorder. Also called: KCNQ1-related disorders; KCNQ1-related condition. Identifiers: MedGen CN239322.

gnomAD v4.1: 26 of 398,618 alleles (0.0065%); highest among the groups gnomAD compares: East Asian, 0.086%; no homozygotes.

Submission:

PreventionGenetics, part of Exact Sciences
Classification: Likely benign for KCNQ1-related condition. Last evaluated: 2025-10-03. Review status: criteria provided, single submitter. Criteria: ACMG Guidelines, 2015. Collection method: clinical testing. Allele origin: germline.
Comment: This variant is classified as likely benign based on ACMG/AMP sequence variant interpretation guidelines (Richards et al. 2015 PMID: 25741868, with internal and published modifications).